The following is an entry in ClinVar:

ClinVar aggregate classification (germline): Conflicting classifications of pathogenicity. Review status: criteria provided, conflicting classifications (1 of 4 stars). 25 submissions from 21 submitters: Uncertain significance (3); Benign (9); Likely benign (8). 5 of the submissions do not count toward it. Last evaluated 2026-09-01.

Conditions:
TTN-related disorder. Also called: TTN-related disorders; TTN-related condition; TTN-related disease.
Cardiovascular phenotype. Identifiers: MedGen CN230736.
Dilated cardiomyopathy 1G (CMD1G). Identifiers: Orphanet 154, MedGen C1858763, MONDO:0011400, OMIM 604145.
Autosomal recessive limb-girdle muscular dystrophy type 2J (LGMDR10). Also called: MUSCULAR DYSTROPHY, LIMB-GIRDLE, AUTOSOMAL RECESSIVE 10; Limb-girdle muscular dystrophy, type 2J. Identifiers: Orphanet 140922, MedGen C1837342, MONDO:0012127, OMIM 608807.
Cardiomyopathy (CMYO). Also called: Cardiomyopathies. Identifiers: Orphanet 167848, MedGen C0878544, MONDO:0004994, HP:0001638. Inheritance: Various modes of inheritance.
Early-onset myopathy with fatal cardiomyopathy (CMYO5). Also called: CONGENITAL MYOPATHY 5 WITH CARDIOMYOPATHY; Salih Myopathy. Identifiers: Orphanet 289377, MedGen C2673677, MONDO:0012714, OMIM 611705. Disease mechanism: loss of function.
Myopathy, myofibrillar, 9, with early respiratory failure (MFM9). Also called: Myopathy, distal, with early respiratory failure, autosomal dominant; Hereditary myopathy with early respiratory failure; MYOPATHY, PROXIMAL, WITH EARLY RESPIRATORY MUSCLE INVOLVEMENT; EDSTROM MYOPATHY. Identifiers: Orphanet 178464, Orphanet 34521, MedGen C1863599, MONDO:0011362, OMIM 603689.
Tibial muscular dystrophy (TMD). Also called: Udd Distal Myopathy – Tibial Muscular Dystrophy; Tibial muscular dystrophy, tardive; UDD MYOPATHY. Identifiers: Orphanet 609, MedGen C1838244, MONDO:0010870, OMIM 600334.

Allele frequency attached by ClinVar (database versions not stated): 1000 Genomes Project 30x 0.00156; 1000 Genomes Project 0.00180; gnomAD 0.00223; ESP Exome Variant Server 0.00260; TOPMed 0.00388.
gnomAD v4.1: 4,814 of 1,612,960 alleles (0.3%); highest among the groups gnomAD compares: Middle Eastern, 2.1%; 22 homozygotes.

Submissions (25):

CeGaT Center for Human Genetics Tuebingen
Classification: Likely benign. Last evaluated: 2026-09-01. Review status: criteria provided, single submitter. Criteria: CeGaT Center For Human Genetics Tuebingen Variant Classification Criteria Version 2. Collection method: clinical testing. Allele origin: germline. Affected: yes. Observed: 101 variant alleles.
Comment: TTN: BP4

Labcorp Genetics (formerly Invitae), Labcorp
Classification: Benign for Dilated cardiomyopathy 1G; Autosomal recessive limb-girdle muscular dystrophy type 2J. Last evaluated: 2026-02-04. Review status: criteria provided, single submitter. Criteria: Invitae Variant Classification Sherloc (09022015). Collection method: clinical testing. Allele origin: germline.

Molecular Diagnostic Laboratory for Inherited Cardiovascular Disease, Montreal Heart Institute
Classification: Likely benign. Last evaluated: 2025-04-09. Review status: criteria provided, single submitter. Criteria: ACMG Guidelines, 2015. Collection method: clinical testing. Allele origin: germline. Affected: no.

Blueprint Genetics
Classification: Likely benign. Last evaluated: 2024-11-23. Review status: criteria provided, single submitter. Criteria: ACMG Guidelines, 2015. Collection method: clinical testing. Allele origin: germline.

Mayo Clinic Laboratories, Mayo Clinic
Classification: Benign. Last evaluated: 2024-08-09. Review status: criteria provided, single submitter. Criteria: ACMG Guidelines, 2015. Collection method: clinical testing. Allele origin: germline. Observed: 30 variant alleles.
Comment: BS1, BS2, BP4

Athena Diagnostics
Classification: Benign. Last evaluated: 2024-05-07. Review status: criteria provided, single submitter. Criteria: Athena Diagnostics Criteria. Collection method: clinical testing. Allele origin: unknown.

ARUP Laboratories, Molecular Genetics and Genomics, ARUP Laboratories
Classification: Benign. Last evaluated: 2023-11-09. Review status: criteria provided, single submitter. Criteria: ARUP Molecular Germline Variant Investigation Process 2024. Collection method: clinical testing. Allele origin: germline.

Women's Health and Genetics/Laboratory Corporation of America, LabCorp
Classification: Likely benign. Last evaluated: 2019-08-09. Review status: criteria provided, single submitter. Criteria: LabCorp Variant Classification Summary - May 2015. Collection method: clinical testing. Allele origin: germline.

Center for Advanced Laboratory Medicine, UC San Diego Health, University of California San Diego
Classification: Benign for Cardiomyopathy. Last evaluated: 2018-12-31. Review status: criteria provided, single submitter. Criteria: ACMG Guidelines, 2015. Collection method: clinical testing. Allele origin: germline. Affected: yes. Observed: 2 variant alleles.

CHEO Genetics Diagnostic Laboratory, Children's Hospital of Eastern Ontario
Classification: Benign for Cardiomyopathy. Last evaluated: 2018-11-28. Review status: criteria provided, single submitter. Criteria: ACMG Guidelines, 2015. Collection method: clinical testing. Allele origin: germline.

Illumina Laboratory Services, Illumina
Classification: Uncertain significance for Autosomal recessive limb-girdle muscular dystrophy type 2J. Last evaluated: 2018-01-12. Review status: criteria provided, single submitter. Criteria: ICSL Variant Classification Criteria 13 December 2019. Collection method: clinical testing. Allele origin: germline.

Illumina Laboratory Services, Illumina
Classification: Benign for Tibial muscular dystrophy. Last evaluated: 2018-01-12. Review status: criteria provided, single submitter. Criteria: ICSL Variant Classification Criteria 13 December 2019. Collection method: clinical testing. Allele origin: germline.
Comment: This variant was observed in the ICSL laboratory as part of a predisposition screen in an ostensibly healthy population. It had not been previously curated by ICSL or reported in the Human Gene Mutation Database (HGMD: prior to June 1st, 2018), and was therefore a candidate for classification through an automated scoring system. Utilizing variant allele frequency, disease prevalence and penetrance estimates, and inheritance mode, an automated score was calculated to assess if this variant is too frequent to cause the disease. Based on the score and internal cut-off values, a variant classified as benign is not then subjected to further curation. The score for this variant resulted in a classification of benign for this disease.

Illumina Laboratory Services, Illumina
Classification: Uncertain significance for Dilated cardiomyopathy 1G. Last evaluated: 2018-01-12. Review status: criteria provided, single submitter. Criteria: ICSL Variant Classification Criteria 13 December 2019. Collection method: clinical testing. Allele origin: germline.

Illumina Laboratory Services, Illumina
Classification: Benign for Myopathy, myofibrillar, 9, with early respiratory failure. Last evaluated: 2018-01-12. Review status: criteria provided, single submitter. Criteria: ICSL Variant Classification Criteria 13 December 2019. Collection method: clinical testing. Allele origin: germline.
Comment: the same text as in the submission from Illumina Laboratory Services, Illumina above.

Illumina Laboratory Services, Illumina
Classification: Uncertain significance for Early-onset myopathy with fatal cardiomyopathy. Last evaluated: 2018-01-12. Review status: criteria provided, single submitter. Criteria: ICSL Variant Classification Criteria 13 December 2019. Collection method: clinical testing. Allele origin: germline.

GeneDx
Classification: Benign. Last evaluated: 2017-08-15. Review status: criteria provided, single submitter. Criteria: GeneDx Variant Classification (06012015). Collection method: clinical testing. Allele origin: germline. Affected: yes.
Comment: This variant is considered likely benign or benign based on one or more of the following criteria: it is a conservative change, it occurs at a poorly conserved position in the protein, it is predicted to be benign by multiple in silico algorithms, and/or has population frequency not consistent with disease.

Eurofins Ntd Llc (ga)
Classification: Likely benign. Last evaluated: 2015-07-17. Review status: criteria provided, single submitter. Criteria: EGL Classification Definitions 2015. Collection method: clinical testing. Allele origin: germline. Observed: 2 variant alleles, 2 heterozygotes.

Ambry Genetics
Classification: Likely benign for Cardiovascular phenotype. Last evaluated: 2013-11-19. Review status: criteria provided, single submitter. Criteria: Ambry Autosomal Dominant and X-Linked criteria (10/2015). Collection method: clinical testing. Allele origin: germline. Observed: 1 variant allele.

Biesecker Lab/Clinical Genomics Section, National Institutes of Health
Classification: Likely benign. Last evaluated: 2013-06-24. Review status: criteria provided, single submitter. Criteria: Ng et al. (Circ Cardiovasc Genet. 2013). Collection method: research. Allele origin: unknown. Observed: 5 variant alleles. Study: ClinSeq.
Comment: The study set was not selected for affection status in relation to any cancer. Pathogenicity categories were based on literature curation. See Pubmed ID:23861362 for details.

Medical sequencing

Laboratory for Molecular Medicine, Mass General Brigham Personalized Medicine
Classification: Likely benign. Last evaluated: 2012-01-18. Review status: criteria provided, single submitter. Criteria: LMM Criteria. Collection method: clinical testing. Allele origin: germline. Observed: 12 variant alleles.
Comment: p.Thr3713Ser in exon 47 TTN: This variant is not expected to have clinical signi ficance because it has been identified in 0.4% (270/63358) of European chromosom es by the Exome Aggregation Consortium (ExAC; db SNP rs72648925).

PreventionGenetics, part of Exact Sciences
Classification: Benign for TTN-related condition. Last evaluated: 2019-07-12. Review status: no assertion criteria provided. Collection method: clinical testing. Allele origin: germline. Not counted in ClinVar's aggregate classification.
Comment: This variant is classified as benign based on ACMG/AMP sequence variant interpretation guidelines (Richards et al. 2015 PMID: 25741868, with internal and published modifications).

Clinical Genetics, Academic Medical Center
Classification: Benign. Review status: no assertion criteria provided. Collection method: clinical testing. Allele origin: germline. Affected: yes. Study: VKGL Data-share Consensus. Not counted in ClinVar's aggregate classification.

Genome Diagnostics Laboratory, University Medical Center Utrecht
Classification: Benign. Review status: no assertion criteria provided. Collection method: clinical testing. Allele origin: germline. Affected: yes. Study: VKGL Data-share Consensus. Not counted in ClinVar's aggregate classification.

Joint Genome Diagnostic Labs from Nijmegen and Maastricht, Radboudumc and MUMC+
Classification: Benign. Review status: no assertion criteria provided. Collection method: clinical testing. Allele origin: germline. Affected: yes. Study: VKGL Data-share Consensus. Not counted in ClinVar's aggregate classification.

Laboratory of Diagnostic Genome Analysis, Leiden University Medical Center (LUMC)
Classification: Likely benign. Review status: no assertion criteria provided. Collection method: clinical testing. Allele origin: germline. Affected: yes. Study: VKGL Data-share Consensus. Not counted in ClinVar's aggregate classification.

Literature cited by the submitters: PubMed 35200695 (cited by Mayo Clinic Laboratories, Mayo Clinic and Athena Diagnostics); PubMed 26516846 (cited by Athena Diagnostics); PubMed 29970176 (cited by Athena Diagnostics).

NM_001267550.2(TTN):c.14870C>G (p.Thr4957Ser)

Gene: TTN (titin; minus strand). Cytogenetic location: 2q31.2.
Variant type: single nucleotide variant.
Coding change: c.14870C>G on transcript NM_001267550.2 (MANE Select); coding-DNA position 14870, C replaced by G.
Protein change: p.Thr4957Ser; replaces threonine 4957 with serine.
Molecular consequence: missense variant. On other transcripts: intron variant (3).
Genome position (GRCh38, 1-based): chr2:178,735,576, G>C on the plus strand (C>G on the coding strand, the complement: TTN is on the minus strand). VCF-style: chr2-178735576-G-C. GRCh37 (hg19) VCF-style: chr2-179600303-G-C.
Other names: p.T4640S:ACC>AGC; c.13919C>G, p.Thr4640Ser (NM_001256850.1); c.11138C>G, p.Thr3713Ser (NM_133378.4); c.13282+2506C>G (NM_003319.4); c.13858+2506C>G (NM_133437.4); c.13657+2506C>G (NM_133432.3); short protein forms T4957S, T3713S, T4640S.
Identifiers: ClinVar variation 46594 (VCV000046594.81), dbSNP rs72648925, ClinGen allele CA138697.